The following is an entry in ClinVar:

NM_000271.5(NPC1):c.2683dup (p.Glu895fs)

Gene: NPC1 (NPC intracellular cholesterol transporter 1; minus strand). Cytogenetic location: 18q11.2.
Variant type: Duplication.
Coding change: c.2683dup on transcript NM_000271.5 (MANE Select); coding-DNA position 2683, one base duplicated (G; older notation c.2683dupG).
Protein change: p.Glu895fs; shifts the reading frame from glutamic acid 895.
Molecular consequence: frameshift variant.
Genome position (GRCh38, 1-based): chr18:23,539,923, C duplicated on the plus strand (G on the coding strand, the reverse complement: NPC1 is on the minus strand); the first of 2 consecutive C bases (chr18:23,539,923-23,539,924); duplicating either gives the same sequence. VCF-style (leftmost placement, unchanged base first): chr18-23539922-T-TC. GRCh37 (hg19) VCF-style: chr18-21119886-T-TC.
Other names: c.2683dupG (NM_000271.4); short protein forms E895fs.
Identifiers: ClinVar variation 551834 (VCV000551834.8), dbSNP rs1555633326, ClinGen allele CA658824817.

ClinVar aggregate classification (germline): Pathogenic. Review status: criteria provided, multiple submitters, no conflicts (2 of 4 stars). 3 submissions from 3 submitters: Pathogenic (2). 1 of the submissions does not count toward it. Last evaluated 2024-05-12.

Conditions:
Niemann-Pick disease, type C1. Also called: NEUROVISCERAL STORAGE DISEASE WITH VERTICAL SUPRANUCLEAR OPHTHALMOPLEGIA; NIEMANN-PICK DISEASE WITH CHOLESTEROL ESTERIFICATION BLOCK; NIEMANN-PICK DISEASE WITHOUT SPHINGOMYELINASE DEFICIENCY; NIEMANN-PICK DISEASE, CHRONIC NEURONOPATHIC FORM; NIEMANN-PICK DISEASE, VARIANT TYPE C1. Identifiers: Orphanet 646, MedGen C3179455, MONDO:0009757, OMIM 257220.

Submissions (3):

Labcorp Genetics (formerly Invitae), Labcorp
Classification: Pathogenic for Niemann-Pick disease, type C1. Last evaluated: 2024-05-12. Review status: criteria provided, single submitter. Criteria: Invitae Variant Classification Sherloc (09022015). Collection method: clinical testing. Allele origin: germline.
Comment: This sequence change creates a premature translational stop signal (p.Glu895Glyfs*23) in the NPC1 gene. It is expected to result in an absent or disrupted protein product. Loss-of-function variants in NPC1 are known to be pathogenic (PMID: 9211850). This variant is not present in population databases (gnomAD no frequency). This premature translational stop signal has been observed in individual(s) with Niemann-Pick Type C (PMID: 26981555). This variant is also known as c.2683insG (fs917X). ClinVar contains an entry for this variant (Variation ID: 551834). For these reasons, this variant has been classified as Pathogenic.

GeneDx
Classification: Pathogenic. Last evaluated: 2022-04-12. Review status: criteria provided, single submitter. Criteria: GeneDx Variant Classification Process June 2021. Collection method: clinical testing. Allele origin: germline. Affected: yes.
Comment: Observed with a second pathogenic NPC1 variant in a patient from the published literature, but it is not known whether the variants occurred on the same (in cis) or on different (in trans) chromosomes (Reunert et al., 2016); Frameshift variant predicted to result in protein truncation or nonsense mediated decay in a gene for which loss of function is a known mechanism of disease; Not observed at significant frequency in large population cohorts (gnomAD); This variant is associated with the following publications: (PMID: 26981555)

Counsyl
Classification: Likely pathogenic for Niemann-Pick disease, type C1. Last evaluated: 2017-05-09. Review status: no assertion criteria provided. Collection method: clinical testing. Allele origin: unknown. Not counted in ClinVar's aggregate classification.

Literature cited by the submitters: PubMed 9211850 (cited by Labcorp Genetics (formerly Invitae), Labcorp); PubMed 26981555 (cited by Labcorp Genetics (formerly Invitae), Labcorp and Counsyl).